The following is an entry in ClinVar:

ClinVar aggregate classification (germline): Uncertain significance (1 of 4 stars; one submission).

Conditions:
Rubinstein-Taybi syndrome due to EP300 haploinsufficiency. Also called: EP300-Related Rubinstein-Taybi Syndrome; RUBINSTEIN-TAYBI SYNDROME 2. Identifiers: Orphanet 353284, Orphanet 783, MedGen C3150941, MONDO:0013364, OMIM 613684.

Submission:

Labcorp Genetics (formerly Invitae), Labcorp
Classification: Uncertain significance for Rubinstein-Taybi syndrome due to EP300 haploinsufficiency. Last evaluated: 2024-09-10. Review status: criteria provided, single submitter. Criteria: Invitae Variant Classification Sherloc (09022015). Collection method: clinical testing. Allele origin: germline.
Comment: This sequence change replaces glutamine, which is neutral and polar, with histidine, which is basic and polar, at codon 2268 of the EP300 protein (p.Gln2268His). This variant is not present in population databases (gnomAD no frequency). This variant has not been reported in the literature in individuals affected with EP300-related conditions. Invitae Evidence Modeling of protein sequence and biophysical properties (such as structural, functional, and spatial information, amino acid conservation, physicochemical variation, residue mobility, and thermodynamic stability) indicates that this missense variant is not expected to disrupt EP300 protein function with a negative predictive value of 80%. In summary, the available evidence is currently insufficient to determine the role of this variant in disease. Therefore, it has been classified as a Variant of Uncertain Significance.

NM_001429.4(EP300):c.6804G>C (p.Gln2268His)

Gene: EP300 (EP300 lysine acetyltransferase; plus strand). Cytogenetic location: 22q13.2.
Variant type: single nucleotide variant.
Coding change: c.6804G>C on transcript NM_001429.4 (MANE Select); coding-DNA position 6804, G replaced by C.
Protein change: p.Gln2268His; replaces glutamine 2268 with histidine.
Molecular consequence: missense variant.
Genome position (GRCh38, 1-based): chr22:41,178,515, G>C. VCF-style: chr22-41178515-G-C. GRCh37 (hg19) VCF-style: chr22-41574519-G-C.
Other names: c.6726G>C, p.Gln2242His (NM_001362843.2); short protein forms Q2268H, Q2242H.
Identifiers: ClinVar variation 3726183 (VCV003726183.2).